The following is an entry in ClinVar:

ClinVar aggregate classification (germline): Likely benign (1 of 4 stars; one submission).

Conditions:
MAP1B-related disorder. Also called: MAP1B-related condition.

gnomAD v4.1: 64 of 1,614,184 alleles (0.004%); highest among the groups gnomAD compares: Admixed American, 0.022%; no homozygotes.

Submission:

PreventionGenetics, part of Exact Sciences
Classification: Likely benign for MAP1B-related condition. Last evaluated: 2026-06-02. Review status: criteria provided, single submitter. Criteria: ACMG Guidelines, 2015. Collection method: clinical testing. Allele origin: germline.
Comment: This variant is classified as likely benign based on ACMG/AMP sequence variant interpretation guidelines (Richards et al. 2015 PMID: 25741868, with internal and published modifications).

NM_005909.5(MAP1B):c.6177C>T (p.Tyr2059=)

Gene: MAP1B (microtubule associated protein 1B; plus strand). Cytogenetic location: 5q13.2.
Variant type: single nucleotide variant.
Coding change: c.6177C>T on transcript NM_005909.5 (MANE Select); coding-DNA position 6177, C replaced by T.
Protein change: p.Tyr2059=; no amino-acid change (tyrosine 2059 retained).
Molecular consequence: synonymous variant.
Genome position (GRCh38, 1-based): chr5:72,199,532, C>T. VCF-style: chr5-72199532-C-T. GRCh37 (hg19) VCF-style: chr5-71495359-C-T.
Other names: c.5799C>T, p.Tyr1933= (NM_001324255.2).
Identifiers: ClinVar variation 4989053 (VCV004989053.1).